The following is an entry in ClinVar:

NM_033004.4(NLRP1):c.1055G>A (p.Gly352Glu)

Gene: NLRP1 (NLR family pyrin domain containing 1; minus strand). Cytogenetic location: 17p13.2.
Variant type: single nucleotide variant.
Coding change: c.1055G>A on transcript NM_033004.4 (MANE Select); coding-DNA position 1055, G replaced by A.
Protein change: p.Gly352Glu; replaces glycine 352 with glutamic acid.
Molecular consequence: missense variant.
Genome position (GRCh38, 1-based): chr17:5,559,641, C>T on the plus strand (G>A on the coding strand, the complement: NLRP1 is on the minus strand). VCF-style: chr17-5559641-C-T. GRCh37 (hg19) VCF-style: chr17-5462961-C-T.
Other names: c.1055G>A, p.Gly352Glu (NM_001033053.3, NM_014922.5, NM_033006.4 and 1 more transcripts); short protein forms G352E.
Identifiers: ClinVar variation 1365398 (VCV001365398.8), dbSNP rs781185876, ClinGen allele CA8327439.

ClinVar aggregate classification (germline): Uncertain significance (1 of 4 stars; one submission).

Allele frequency attached by ClinVar (database versions not stated): ExAC 0.00001; gnomAD 0.00001; gnomAD exomes 0.00002; TOPMed 0.00002.
gnomAD v4.1: 12 of 1,614,126 alleles (0.00074%); highest among the groups gnomAD compares: Admixed American, 0.02%; no homozygotes.

Submission:

Labcorp Genetics (formerly Invitae), Labcorp
Classification: Uncertain significance. Last evaluated: 2025-03-13. Review status: criteria provided, single submitter. Criteria: Invitae Variant Classification Sherloc (09022015). Collection method: clinical testing. Allele origin: germline.
Comment: This sequence change replaces glycine, which is neutral and non-polar, with glutamic acid, which is acidic and polar, at codon 352 of the NLRP1 protein (p.Gly352Glu). This variant is present in population databases (rs781185876, gnomAD 0.02%). This variant has not been reported in the literature in individuals affected with NLRP1-related conditions. ClinVar contains an entry for this variant (Variation ID: 1365398). An algorithm developed to predict the effect of missense changes on protein structure and function outputs the following: PolyPhen-2: "Benign". The glutamic acid amino acid residue is found in multiple mammalian species, which suggests that this missense change does not adversely affect protein function. In summary, the available evidence is currently insufficient to determine the role of this variant in disease. Therefore, it has been classified as a Variant of Uncertain Significance.